The following is an entry in ClinVar:

NM_020631.6(PLEKHG5):c.2250-2A>C

Gene: PLEKHG5 (pleckstrin homology and RhoGEF domain containing G5; minus strand). Cytogenetic location: 1p36.31.
Variant type: single nucleotide variant.
Coding change: c.2250-2A>C on transcript NM_020631.6 (MANE Select); the canonical splice acceptor site of the intron before coding-DNA position 2250, A replaced by C.
Molecular consequence: splice acceptor variant.
Genome position (GRCh38, 1-based): chr1:6,468,588, T>G on the plus strand (A>C on the coding strand, the complement: PLEKHG5 is on the minus strand). VCF-style: chr1-6468588-T-G. GRCh37 (hg19) VCF-style: chr1-6528648-T-G.
Other names: c.2250-2A>C (NM_198681.4, NM_001265594.3, NM_001042664.2 and 1 more transcripts); c.2361-2A>C (NM_001042663.3, NM_001265592.2); c.2457-2A>C (NM_001265593.2).
Identifiers: ClinVar variation 2946665 (VCV002946665.3), dbSNP rs2523120586, ClinGen allele CA338117904.

ClinVar aggregate classification (germline): Likely pathogenic (1 of 4 stars; one submission).

Conditions:
Charcot-Marie-Tooth disease recessive intermediate C. Also called: CHARCOT-MARIE-TOOTH NEUROPATHY, RECESSIVE INTERMEDIATE C. Identifiers: Orphanet 369867, MedGen C3809309, MONDO:0014154, OMIM 615376.
Neuronopathy, distal hereditary motor, autosomal recessive 4. Also called: NEUROPATHY, DISTAL HEREDITARY MOTOR, AUTOSOMAL RECESSIVE 4; Autosomal recessive lower motor neuron disease with childhood onset. Identifiers: Orphanet 206580, MedGen C1970211, MONDO:0012608, OMIM 611067.

Allele frequency attached by ClinVar (database versions not stated): gnomAD exomes below 0.00001.
gnomAD v4.1: 2 of 1,612,884 alleles (0.00012%); highest among the groups gnomAD compares: Non-Finnish European, 0.00017%; no homozygotes.

Submission:

Labcorp Genetics (formerly Invitae), Labcorp
Classification: Likely pathogenic for Neuronopathy, distal hereditary motor, autosomal recessive 4; Charcot-Marie-Tooth disease recessive intermediate C. Last evaluated: 2023-04-13. Review status: criteria provided, single submitter. Criteria: Invitae Variant Classification Sherloc (09022015). Collection method: clinical testing. Allele origin: germline.
Comment: This variant has not been reported in the literature in individuals affected with PLEKHG5-related conditions. In summary, the currently available evidence indicates that the variant is pathogenic, but additional data are needed to prove that conclusively. Therefore, this variant has been classified as Likely Pathogenic. Algorithms developed to predict the effect of sequence changes on RNA splicing suggest that this variant may disrupt the consensus splice site. This variant is not present in population databases (gnomAD no frequency). This sequence change affects an acceptor splice site in intron 19 of the PLEKHG5 gene. It is expected to disrupt RNA splicing. Variants that disrupt the donor or acceptor splice site typically lead to a loss of protein function (PMID: 16199547), and loss-of-function variants in PLEKHG5 are known to be pathogenic (PMID: 17564964, 23777631).

Literature cited by the submitters: PubMed 16199547; PubMed 17564964; PubMed 23777631.